The following is an entry in ClinVar:

NM_145207.3(AFG2A):c.896G>T (p.Gly299Val)

Gene: AFG2A (AAA ATPase AFG2A; plus strand). Cytogenetic location: 4q28.1.
Variant type: single nucleotide variant.
Coding change: c.896G>T on transcript NM_145207.3 (MANE Select); coding-DNA position 896, G replaced by T.
Protein change: p.Gly299Val; replaces glycine 299 with valine.
Molecular consequence: missense variant.
Genome position (GRCh38, 1-based): chr4:122,934,487, G>T. VCF-style: chr4-122934487-G-T. GRCh37 (hg19) VCF-style: chr4-123855642-G-T.
Other names: p.Gly299Val; c.893G>T, p.Gly298Val (NM_001317799.2, NM_001345856.2); short protein forms G299V, G298V.
Identifiers: ClinVar variation 475737 (VCV000475737.17), dbSNP rs75871497, ClinGen allele CA3070339.

ClinVar aggregate classification (germline): Conflicting classifications of pathogenicity. Review status: criteria provided, conflicting classifications (1 of 4 stars). 5 submissions from 5 submitters: Uncertain significance (2); Likely benign (2). 1 of the submissions does not count toward it. Last evaluated 2026-02-02.

Conditions:
AFG2A-related disorder. Also called: AFG2A-related condition.
Microcephaly-intellectual disability-sensorineural hearing loss-epilepsy-abnormal muscle tone syndrome (NEDHSB). Also called: NEURODEVELOPMENTAL DISORDER WITH HEARING LOSS, SEIZURES, AND BRAIN ABNORMALITIES. Identifiers: Orphanet 457351, MedGen C4225276, MONDO:0014698, OMIM 616577.

Allele frequency attached by ClinVar (database versions not stated): gnomAD 0.00164 and 0.00181; TOPMed 0.00177; ESP Exome Variant Server 0.00192; 1000 Genomes Project 0.00200; 1000 Genomes Project 30x 0.00219.
gnomAD v4.1: 445 of 1,614,216 alleles (0.028%); highest among the groups gnomAD compares: African/African-American, 0.52%; no homozygotes.

Submissions (6):

Labcorp Genetics (formerly Invitae), Labcorp
Classification: Likely benign for Microcephaly-intellectual disability-sensorineural hearing loss-epilepsy-abnormal muscle tone syndrome. Last evaluated: 2026-02-02. Review status: criteria provided, single submitter. Criteria: Invitae Variant Classification Sherloc (09022015). Collection method: clinical testing. Allele origin: germline.

Mayo Clinic Laboratories, Mayo Clinic
Classification: Likely benign. Last evaluated: 2025-01-21. Review status: criteria provided, single submitter. Criteria: ACMG Guidelines, 2015. Collection method: clinical testing. Allele origin: germline. Observed: 1 variant allele.
Comment: BS1, BP4

Center for Genomics, Ann and Robert H. Lurie Children's Hospital of Chicago
Classification: Uncertain significance for Microcephaly-intellectual disability-sensorineural hearing loss-epilepsy-abnormal muscle tone syndrome. Last evaluated: 2022-02-03. Review status: criteria provided, single submitter. Criteria: ACMG Guidelines, 2015. Collection method: clinical testing. Allele origin: germline.
Comment: SPATA5 NM_145207.2 exon 5 p.Gly299Val (c.896G>T): This variant has not been reported in the literature but is present in 0.5% (230/41448) of African alleles in the Genome Aggregation Database. This variant is present in ClinVar (Variation ID:475737). This variant amino acid Valine (Val) is present in several species including multiple mammals and is not well conserved among evolutionarily distant species; this suggests that this variant may not impact the protein. Additional computational prediction tools do not suggest an impact. In summary, data on this variant is insufficient for disease classification. Therefore, the clinical significance of this variant is uncertain.

GeneDx
Classification: Uncertain significance. Last evaluated: 2021-06-28. Review status: criteria provided, single submitter. Criteria: GeneDx Variant Classification Process June 2021. Collection method: clinical testing. Allele origin: germline. Affected: yes.
Comment: In silico analysis supports a deleterious effect on splicing; Has not been previously published as pathogenic or benign to our knowledge; This variant is associated with the following publications: (PMID: 27535533)

PreventionGenetics, part of Exact Sciences
Classification: Likely benign for AFG2A-related condition. Last evaluated: 2020-09-04. Review status: no assertion criteria provided. Collection method: clinical testing. Allele origin: germline. Not counted in ClinVar's aggregate classification.
Comment: This variant is classified as likely benign based on ACMG/AMP sequence variant interpretation guidelines (Richards et al. 2015 PMID: 25741868, with internal and published modifications).

Dr. Peter K. Rogan Lab, Western University
No classification provided (evidence only). Condition: Familial cancer of breast. Review status: no classification provided. Collection method: in vitro. Allele origin: not applicable. Functional consequence: retained intron. Not counted in ClinVar's aggregate classification.